The following is an entry in ClinVar:

ClinVar aggregate classification (germline): Uncertain significance (1 of 4 stars; one submission).

Submission:

Labcorp Genetics (formerly Invitae), Labcorp
Classification: Uncertain significance. Last evaluated: 2024-06-28. Review status: criteria provided, single submitter. Criteria: Invitae Variant Classification Sherloc (09022015). Collection method: clinical testing. Allele origin: germline.
Comment: This sequence change replaces proline, which is neutral and non-polar, with leucine, which is neutral and non-polar, at codon 476 of the SIX5 protein (p.Pro476Leu). This variant is not present in population databases (gnomAD no frequency). This variant has not been reported in the literature in individuals affected with SIX5-related conditions. Advanced modeling of protein sequence and biophysical properties (such as structural, functional, and spatial information, amino acid conservation, physicochemical variation, residue mobility, and thermodynamic stability) performed at Invitae indicates that this missense variant is not expected to disrupt SIX5 protein function with a negative predictive value of 80%. In summary, the available evidence is currently insufficient to determine the role of this variant in disease. Therefore, it has been classified as a Variant of Uncertain Significance.

NM_175875.5(SIX5):c.1427C>T (p.Pro476Leu)

Gene: SIX5 (SIX homeobox 5; minus strand). Cytogenetic location: 19q13.32.
Variant type: single nucleotide variant.
Coding change: c.1427C>T on transcript NM_175875.5 (MANE Select); coding-DNA position 1427, C replaced by T.
Protein change: p.Pro476Leu; replaces proline 476 with leucine.
Molecular consequence: missense variant.
Genome position (GRCh38, 1-based): chr19:45,766,532, G>A on the plus strand (C>T on the coding strand, the complement: SIX5 is on the minus strand). VCF-style: chr19-45766532-G-A. GRCh37 (hg19) VCF-style: chr19-46269790-G-A.
Other names: short protein forms P476L.
Identifiers: ClinVar variation 3001394 (VCV003001394.3), dbSNP rs1278502020, ClinGen allele CA406418026.
Genomic context (GRCh38, chr19:45,766,532, plus strand): 5'-AGCTGCAGGGGCCCCACAGCCTGGGGCAGGGTCACCACCTGTGAGGTGGGTACTACCTGG[G>A]GCAGGTTCAATAGTGGGGAGGTGGGGCTCAGGCCCGTGGGATACCCCGGGGGTGGGGAGA-3'
Protein context (NP_787071.3, residues 466-486): LSPTSPLLNL[Pro476Leu]QVVPTSQVVT